The following is an entry in ClinVar:

NM_007294.4(BRCA1):c.2667T>C (p.Ser889=)

Gene: BRCA1 (BRCA1 DNA repair associated; minus strand). Cytogenetic location: 17q21.31.
Variant type: single nucleotide variant.
Coding change: c.2667T>C on transcript NM_007294.4 (MANE Select); coding-DNA position 2667, T replaced by C.
Protein change: p.Ser889=; no amino-acid change (serine 889 retained).
Molecular consequence: synonymous variant. On other transcripts: intron variant (137).
Genome position (GRCh38, 1-based): chr17:43,092,864, A>G on the plus strand (T>C on the coding strand, the complement: BRCA1 is on the minus strand). VCF-style: chr17-43092864-A-G. GRCh37 (hg19) VCF-style: chr17-41244881-A-G.
Other names: c.2454T>C, p.Ser818= (NM_001407897.1, NM_001407899.1, NM_001407898.1 and 9 more transcripts); c.665-1832T>C (NM_001408444.1, NM_001408430.1, NM_001408438.1 and 12 more transcripts); c.2457T>C, p.Ser819= (NM_001407902.1, NM_001407904.1, NM_001407906.1 and 13 more transcripts); c.2334T>C, p.Ser778= (NM_001407952.1, NM_001407953.1, NM_001407950.1 and 6 more transcripts); c.788-1832T>C (NM_001408404.1, NM_001408472.1, NM_001407990.1 and 17 more transcripts); c.2331T>C, p.Ser777= (NM_001407954.1, NM_001407955.1, NM_001407956.1 and 1 more transcripts); c.671-1832T>C (NM_001408423.1, NM_001408420.1, NM_001408419.1 and 2 more transcripts); c.647-1832T>C (NM_001408466.1, NM_001408452.1, NM_001408457.1 and 11 more transcripts); and 41 more.
Identifiers: ClinVar variation 383160 (VCV000383160.13), dbSNP rs1057521536, ClinGen allele CA16607270.
Genomic context (GRCh38, chr17:43,092,864, plus strand): 5'-ATTTTCTTCCTTTTGTTCACATTCAAAAGTGACTTTTGGACTTTGTTTCTTTAAGGACCC[A>G]GAGTGGGCAGAGAATGTTGCACATTCCTCTTCTGCATTTCCTGGATTTGAAAACGGAGCA-3'
Protein context (NP_009225.1, residues 879-899): EEECATFSAH[Ser889=]GSLKKQSPKV

ClinVar aggregate classification (germline): Likely benign. Review status: criteria provided, multiple submitters, no conflicts (2 of 4 stars). 3 submissions from 3 submitters: Likely benign (3). Last evaluated 2024-05-02.

Conditions:
Hereditary cancer-predisposing syndrome. Also called: Hereditary Cancer Syndrome; Hereditary neoplastic syndrome; Neoplastic Syndromes, Hereditary; Tumor predisposition. Identifiers: Orphanet 140162, MedGen C0027672, MeSH D009386, MONDO:0015356.
Hereditary breast ovarian cancer syndrome. Also called: Hereditary breast and ovarian cancer syndrome; Hereditary breast and ovarian cancer; Breast and ovarian cancer; BRCA1- and BRCA2-Associated Hereditary Breast and Ovarian Cancer; Hereditary breast and/or ovarian cancer syndrome; Hereditary breast and ovarian cancer syndrome (HBOC). Identifiers: Orphanet 145, MedGen C0677776, MeSH D061325, MONDO:0003582. Disease mechanism: loss of function.

Submissions (3):

Labcorp Genetics (formerly Invitae), Labcorp
Classification: Likely benign for Hereditary breast ovarian cancer syndrome. Last evaluated: 2024-05-02. Review status: criteria provided, single submitter. Criteria: Invitae Variant Classification Sherloc (09022015). Collection method: clinical testing. Allele origin: germline.

Ambry Genetics
Classification: Likely benign for Hereditary cancer-predisposing syndrome. Last evaluated: 2022-02-03. Review status: criteria provided, single submitter. Criteria: Ambry Variant Classification Scheme 2023. Collection method: clinical testing. Allele origin: germline.

GeneDx
Classification: Likely benign. Last evaluated: 2016-01-12. Review status: criteria provided, single submitter. Criteria: GeneDx Variant Classification (06012015). Collection method: clinical testing. Allele origin: germline. Affected: yes.
Comment: This variant is considered likely benign or benign based on one or more of the following criteria: it is a conservative change, it occurs at a poorly conserved position in the protein, it is predicted to be benign by multiple in silico algorithms, and/or has population frequency not consistent with disease.